The following is an entry in ClinVar:

NM_005045.4(RELN):c.10373G>A (p.Arg3458Gln)

Genes: RELN (reelin; minus strand), SLC26A5-AS1 (SLC26A5 antisense RNA 1; plus strand). Cytogenetic location: 7q22.1.
Variant type: single nucleotide variant.
Coding change: c.10373G>A on transcript NM_005045.4 (MANE Select); coding-DNA position 10373, G replaced by A.
Protein change: p.Arg3458Gln; replaces arginine 3458 with glutamine.
Molecular consequence: missense variant.
Genome position (GRCh38, 1-based): chr7:103,472,822, C>T on the plus strand (G>A on the coding strand, the complement: RELN is on the minus strand). VCF-style: chr7-103472822-C-T. GRCh37 (hg19) VCF-style: chr7-103113269-C-T.
Other names: c.10367G>A, p.Arg3456Gln (NM_173054.3); short protein forms R3456Q, R3458Q.
Identifiers: ClinVar variation 1014284 (VCV001014284.9), dbSNP rs766401565, ClinGen allele CA4419909.

ClinVar aggregate classification (germline): Uncertain significance. Review status: criteria provided, multiple submitters, no conflicts (2 of 4 stars). 2 submissions from 2 submitters: Uncertain significance (2). Last evaluated 2024-10-09.

Conditions:
Familial temporal lobe epilepsy 7. Identifiers: Orphanet 101046, MedGen C4225327, MONDO:0014639, OMIM 616436.
Norman-Roberts syndrome (LIS2). Also called: Lissencephaly 2 (Norman-Roberts type). Identifiers: Orphanet 89844, MedGen C0796089, MONDO:0009760, OMIM 257320.

Allele frequency attached by ClinVar (database versions not stated): ExAC 0.00002; gnomAD exomes 0.00002 and 0.00003; TOPMed 0.00002; gnomAD 0.00003.
gnomAD v4.1: 42 of 1,612,944 alleles (0.0026%); highest among the groups gnomAD compares: East Asian, 0.0022%; no homozygotes.

Submissions (2):

Labcorp Genetics (formerly Invitae), Labcorp
Classification: Uncertain significance for Familial temporal lobe epilepsy 7; Norman-Roberts syndrome. Last evaluated: 2024-10-09. Review status: criteria provided, single submitter. Criteria: Invitae Variant Classification Sherloc (09022015). Collection method: clinical testing. Allele origin: germline.
Comment: This sequence change replaces arginine, which is basic and polar, with glutamine, which is neutral and polar, at codon 3458 of the RELN protein (p.Arg3458Gln). This variant is present in population databases (rs766401565, gnomAD 0.01%). This variant has not been reported in the literature in individuals affected with RELN-related conditions. ClinVar contains an entry for this variant (Variation ID: 1014284). Invitae Evidence Modeling of protein sequence and biophysical properties (such as structural, functional, and spatial information, amino acid conservation, physicochemical variation, residue mobility, and thermodynamic stability) indicates that this missense variant is not expected to disrupt RELN protein function with a negative predictive value of 80%. In summary, the available evidence is currently insufficient to determine the role of this variant in disease. Therefore, it has been classified as a Variant of Uncertain Significance.

Blueprint Genetics
Classification: Uncertain significance. Last evaluated: 2022-08-03. Review status: criteria provided, single submitter. Criteria: ACMG Guidelines, 2015. Collection method: clinical testing. Allele origin: germline.